The following is an entry in ClinVar:

ClinVar aggregate classification (germline): Pathogenic. Review status: criteria provided, single submitter (1 of 4 stars). 2 submissions from 2 submitters: Pathogenic (1). 1 of the submissions does not count toward it. Last evaluated 2026-02-06.

Conditions:
Autosomal recessive titinopathy. Identifiers: MedGen CN315649, MONDO:0100493.
Autosomal recessive limb-girdle muscular dystrophy type 2J (LGMDR10). Also called: Limb-girdle muscular dystrophy, type 2J; MUSCULAR DYSTROPHY, LIMB-GIRDLE, AUTOSOMAL RECESSIVE 10. Identifiers: Orphanet 140922, MedGen C1837342, MONDO:0012127, OMIM 608807.

Allele frequency attached by ClinVar (database versions not stated): gnomAD exomes below 0.00001; TOPMed 0.00001.
gnomAD v4.1: 2 of 1,613,600 alleles (0.00012%); highest among the groups gnomAD compares: Admixed American, 0.0017%; no homozygotes.

Submissions (2):

Myofin, Folkhalsan Research Center
Classification: Pathogenic for Autosomal recessive titinopathy. Last evaluated: 2026-02-06. Review status: criteria provided, single submitter. Criteria: ACMG Guidelines, 2015. Collection method: research. Allele origin: germline. Affected: yes.
Comment: TTN loss-of-function is an established mechanism for autosomal recessive titinopathies. ACMG/AMP criteria applied: PVS1 (predicted loss of function), PM2_Supporting (absent/rare in population databases), and PP4_Supporting (highly consistent clinical phenotype). Overall classification: Pathogenic for recessive titinopathy.

Center of Excellence for Medical Genomics, Chulalongkorn University
Classification: Pathogenic for Autosomal recessive limb-girdle muscular dystrophy type 2J. Last evaluated: 2022-09-08. Review status: no assertion criteria provided. Criteria: ACMG Guidelines, 2015. Collection method: research. Allele origin: paternal. Affected: yes. Not counted in ClinVar's aggregate classification.

Literature cited by the submitters: DOI 10.1101/2025.07.17.25331127 (cited by Myofin, Folkhalsan Research Center).

NM_001267550.2(TTN):c.39109G>T (p.Glu13037Ter)

Gene: TTN (titin; minus strand). Cytogenetic location: 2q31.2.
Variant type: single nucleotide variant.
Coding change: c.39109G>T on transcript NM_001267550.2 (MANE Select); coding-DNA position 39109, G replaced by T.
Protein change: p.Glu13037Ter; replaces glutamic acid 13037 with a stop codon.
Molecular consequence: nonsense. On other transcripts: intron variant (3).
Genome position (GRCh38, 1-based): chr2:178,652,476, C>A on the plus strand (G>T on the coding strand, the complement: TTN is on the minus strand). VCF-style: chr2-178652476-C-A. GRCh37 (hg19) VCF-style: chr2-179517203-C-A.
Other names: c.34588G>T, p.Glu11530Ter (NM_001256850.1); c.31807G>T, p.Glu10603Ter (NM_133378.4); c.13283-10159G>T (NM_003319.4); c.13859-10159G>T (NM_133437.4); c.13658-10159G>T (NM_133432.3); short protein forms E10603*, E11530*, E13037*.
Identifiers: ClinVar variation 1695409 (VCV001695409.2), dbSNP rs928476699, ClinGen allele CA60969289.